The following is an entry in ClinVar:

ClinVar aggregate classification (germline): Benign. Review status: criteria provided, multiple submitters, no conflicts (2 of 4 stars). 2 submissions from 2 submitters: Benign (2). Last evaluated 2019-01-10.

Allele frequency attached by ClinVar (database versions not stated): 1000 Genomes Project 0.17472; 1000 Genomes Project 30x 0.17958; TOPMed 0.24130; gnomAD 0.24227 and 0.24567; ESP Exome Variant Server 0.24780; gnomAD exomes 0.27016.
gnomAD v4.1: 431,536 of 1,613,910 alleles (27%); highest among the groups gnomAD compares: Middle Eastern, 35%; 59,626 homozygotes.

Submissions (2):

GeneDx
Classification: Benign. Last evaluated: 2019-01-10. Review status: criteria provided, single submitter. Criteria: GeneDx Variant Classification Process June 2021. Collection method: clinical testing. Allele origin: germline. Affected: yes.
Comment: This variant is associated with the following publications: (PMID: 21833088, 29083408)

Breakthrough Genomics
Classification: Benign. Review status: criteria provided, single submitter. Criteria: ACMG Guidelines, 2015. Collection method: not provided. Allele origin: germline. Inheritance: Unknown mechanism. Affected: yes.

NM_032683.3(MPV17L2):c.214A>G (p.Met72Val)

Gene: MPV17L2 (MPV17 mitochondrial inner membrane protein like 2; plus strand). Cytogenetic location: 19p13.11.
Variant type: single nucleotide variant.
Coding change: c.214A>G on transcript NM_032683.3 (MANE Select); coding-DNA position 214, A replaced by G.
Protein change: p.Met72Val; replaces methionine 72 with valine.
Molecular consequence: missense variant.
Genome position (GRCh38, 1-based): chr19:18,193,890, A>G. VCF-style: chr19-18193890-A-G. GRCh37 (hg19) VCF-style: chr19-18304700-A-G.
Other names: short protein forms M72V.
Identifiers: ClinVar variation 1258481 (VCV001258481.3), dbSNP rs874628, ClinGen allele CA9307629.